The following is an entry in ClinVar:

ClinVar aggregate classification (germline): Likely benign. Review status: criteria provided, multiple submitters, no conflicts (2 of 4 stars). 3 submissions from 3 submitters: Likely benign (3). Last evaluated 2026-02-02.

Conditions:
DMXL2-related disorder. Also called: DMXL2-related condition.

Allele frequency attached by ClinVar (database versions not stated): gnomAD exomes 0.00011; ESP Exome Variant Server 0.00085; 1000 Genomes Project 0.00100; 1000 Genomes Project 30x 0.00109; TOPMed 0.00137; gnomAD 0.00140.
gnomAD v4.1: 382 of 1,594,708 alleles (0.024%); highest among the groups gnomAD compares: African/African-American, 0.46%; 3 homozygotes.

Submissions (3):

Labcorp Genetics (formerly Invitae), Labcorp
Classification: Likely benign. Last evaluated: 2026-02-02. Review status: criteria provided, single submitter. Criteria: Invitae Variant Classification Sherloc (09022015). Collection method: clinical testing. Allele origin: germline.

PreventionGenetics, part of Exact Sciences
Classification: Likely benign for DMXL2-related condition. Last evaluated: 2025-02-26. Review status: criteria provided, single submitter. Criteria: ACMG Guidelines, 2015. Collection method: clinical testing. Allele origin: germline.
Comment: This variant is classified as likely benign based on ACMG/AMP sequence variant interpretation guidelines (Richards et al. 2015 PMID: 25741868, with internal and published modifications).

ARUP Laboratories, Molecular Genetics and Genomics, ARUP Laboratories
Classification: Likely benign. Last evaluated: 2024-06-06. Review status: criteria provided, single submitter. Criteria: ARUP Molecular Germline Variant Investigation Process 2024. Collection method: clinical testing. Allele origin: germline.

NM_001378457.1(DMXL2):c.7225C>T (p.Leu2409Phe)

Gene: DMXL2 (Dmx like 2; minus strand). Cytogenetic location: 15q21.2.
Variant type: single nucleotide variant.
Coding change: c.7225C>T on transcript NM_001378457.1 (MANE Select); coding-DNA position 7225, C replaced by T.
Protein change: p.Leu2409Phe; replaces leucine 2409 with phenylalanine.
Molecular consequence: missense variant. On other transcripts: non-coding transcript variant (2).
Genome position (GRCh38, 1-based): chr15:51,471,390, G>A on the plus strand (C>T on the coding strand, the complement: DMXL2 is on the minus strand). VCF-style: chr15-51471390-G-A. GRCh37 (hg19) VCF-style: chr15-51763587-G-A.
Other names: c.7225C>T, p.Leu2409Phe (NM_001174116.3, NM_001378459.1, NM_001378461.1 and 1 more transcripts); c.5314C>T, p.Leu1772Phe (NM_001174117.3); c.7222C>T, p.Leu2408Phe (NM_001378458.1, NM_001378462.1, NM_015263.5); c.5203C>T, p.Leu1735Phe (NM_001378460.1); c.6982C>T, p.Leu2328Phe (NM_001378464.1); short protein forms L2409F, L1772F, L2408F, L1735F, L2328F.
Identifiers: ClinVar variation 718585 (VCV000718585.12), dbSNP rs140921435, ClinGen allele CA7561379.